The following is an entry in ClinVar:

NM_032607.3(CREB3L3):c.586C>T (p.His196Tyr)

Gene: CREB3L3 (cAMP responsive element binding protein 3 like 3; plus strand). Cytogenetic location: 19p13.3.
Variant type: single nucleotide variant.
Coding change: c.586C>T on transcript NM_032607.3 (MANE Select); coding-DNA position 586, C replaced by T.
Protein change: p.His196Tyr; replaces histidine 196 with tyrosine.
Molecular consequence: missense variant.
Genome position (GRCh38, 1-based): chr19:4,164,512, C>T. VCF-style: chr19-4164512-C-T. GRCh37 (hg19) VCF-style: chr19-4164509-C-T.
Other names: c.583C>T, p.His195Tyr (NM_001271995.2); c.580C>T, p.His194Tyr (NM_001271996.2); c.586C>T, p.His196Tyr (NM_001271997.2); short protein forms H194Y, H195Y, H196Y.
Identifiers: ClinVar variation 3077328 (VCV003077328.3), dbSNP rs1167393728, ClinGen allele CA403403277.
Genomic context (GRCh38, chr19:4,164,512, plus strand): 5'-AGGCAGTTGGCGTCCCTGCACCCGCCGTCATTCCTCTGATTTTTTCCGTAGCAACAGCAT[C>T]ACCTGGGGGCCTCCTACCTCCTGCGACCTGGGGCTGGGCACTGTCAGGAGCTGGTGCTCA-3'
Protein context (NP_115996.1, residues 186-206): SGSSGDLQQH[His196Tyr]LGASYLLRPG

ClinVar aggregate classification (germline): Uncertain significance. Review status: criteria provided, multiple submitters, no conflicts (2 of 4 stars). 2 submissions from 2 submitters: Uncertain significance (2). Last evaluated 2025-03-27.

Allele frequency attached by ClinVar (database versions not stated): gnomAD exomes below 0.00001; TOPMed 0.00002; gnomAD 0.00001.
gnomAD v4.1: 5 of 1,613,988 alleles (0.00031%); highest among the groups gnomAD compares: Admixed American, 0.0033%; no homozygotes.

Submissions (2):

Labcorp Genetics (formerly Invitae), Labcorp
Classification: Uncertain significance. Last evaluated: 2025-03-27. Review status: criteria provided, single submitter. Criteria: Invitae Variant Classification Sherloc (09022015). Collection method: clinical testing. Allele origin: germline.
Comment: This sequence change replaces histidine, which is basic and polar, with tyrosine, which is neutral and polar, at codon 196 of the CREB3L3 protein (p.His196Tyr). This variant is not present in population databases (gnomAD no frequency). This variant has not been reported in the literature in individuals affected with CREB3L3-related conditions. ClinVar contains an entry for this variant (Variation ID: 3077328). Invitae Evidence Modeling of protein sequence and biophysical properties (such as structural, functional, and spatial information, amino acid conservation, physicochemical variation, residue mobility, and thermodynamic stability) indicates that this missense variant is not expected to disrupt CREB3L3 protein function with a negative predictive value of 80%. In summary, the available evidence is currently insufficient to determine the role of this variant in disease. Therefore, it has been classified as a Variant of Uncertain Significance.

Ambry Genetics
Classification: Uncertain significance. Last evaluated: 2023-12-15. Review status: criteria provided, single submitter. Criteria: Ambry Variant Classification Scheme 2023. Collection method: clinical testing. Allele origin: germline.